The following is an entry in ClinVar:

NM_000719.7(CACNA1C):c.5038G>A (p.Asp1680Asn)

Genes: CACNA1C (calcium voltage-gated channel subunit alpha1 C; plus strand), CACNA1C-AS1 (CACNA1C antisense RNA 1; minus strand). Cytogenetic location: 12p13.33.
Variant type: single nucleotide variant.
Coding change: c.5038G>A on transcript NM_000719.7 (MANE Select); coding-DNA position 5038, G replaced by A.
Protein change: p.Asp1680Asn; replaces aspartic acid 1680 with asparagine.
Molecular consequence: missense variant. On other transcripts: non-coding transcript variant (1).
Genome position (GRCh38, 1-based): chr12:2,677,814, G>A. VCF-style: chr12-2677814-G-A. GRCh37 (hg19) VCF-style: chr12-2786980-G-A.
Other names: c.5182G>A, p.Asp1728Asn (NM_001129827.2, NM_199460.4); c.5161G>A, p.Asp1721Asn (NM_001129829.2); c.5038G>A, p.Asp1680Asn (NM_001129830.3, NM_001129840.2, NM_001129841.2 and 4 more transcripts); c.5122G>A, p.Asp1708Asn (NM_001129831.2); c.5098G>A, p.Asp1700Asn (NM_001129832.2); c.5095G>A, p.Asp1699Asn (NM_001129833.2, NM_001129834.2, NM_001129835.2); c.5089G>A, p.Asp1697Asn (NM_001129836.2); c.5062G>A, p.Asp1688Asn (NM_001129837.2, NM_001129838.2); and 3 more; short protein forms D1669N, D1677N, D1680N, D1686N, D1688N, D1697N, D1699N, D1700N.
Identifiers: ClinVar variation 1056118 (VCV001056118.9), dbSNP rs2153791339, ClinGen allele CA383378346.

ClinVar aggregate classification (germline): Uncertain significance (1 of 4 stars; one submission).

Conditions:
Long QT syndrome (LQTS). Identifiers: MedGen C0023976, MeSH D008133, MONDO:0002442. Disease mechanism: loss of function. Inheritance: Various modes of inheritance.

Submission:

Labcorp Genetics (formerly Invitae), Labcorp
Classification: Uncertain significance for Long QT syndrome. Last evaluated: 2023-12-06. Review status: criteria provided, single submitter. Criteria: Invitae Variant Classification Sherloc (09022015). Collection method: clinical testing. Allele origin: germline.
Comment: This sequence change replaces aspartic acid, which is acidic and polar, with asparagine, which is neutral and polar, at codon 1680 of the CACNA1C protein (p.Asp1680Asn). This variant is not present in population databases (gnomAD no frequency). This variant has not been reported in the literature in individuals affected with CACNA1C-related conditions. ClinVar contains an entry for this variant (Variation ID: 1056118). Advanced modeling of protein sequence and biophysical properties (such as structural, functional, and spatial information, amino acid conservation, physicochemical variation, residue mobility, and thermodynamic stability) performed at Invitae indicates that this missense variant is not expected to disrupt CACNA1C protein function with a negative predictive value of 95%. In summary, the available evidence is currently insufficient to determine the role of this variant in disease. Therefore, it has been classified as a Variant of Uncertain Significance.